The following is an entry in ClinVar:

ClinVar aggregate classification (germline): Conflicting classifications of pathogenicity. Review status: criteria provided, conflicting classifications (1 of 4 stars). 7 submissions from 7 submitters: Uncertain significance (2); Likely benign (3). 2 of the submissions do not count toward it. Last evaluated 2026-01-06.

Conditions:
Atypical hemolytic-uremic syndrome. Identifiers: Orphanet 2134, MedGen C2931788, MONDO:0016244.

Allele frequency attached by ClinVar (database versions not stated): gnomAD exomes 0.00004 and 0.00014; ExAC 0.00016; TOPMed 0.00035; gnomAD 0.00042; ESP Exome Variant Server 0.00062; 1000 Genomes Project 30x 0.00078; 1000 Genomes Project 0.00080.
gnomAD v4.1: 118 of 1,613,798 alleles (0.0073%); highest among the groups gnomAD compares: African/African-American, 0.14%; no homozygotes.

Submissions (7):

Labcorp Genetics (formerly Invitae), Labcorp
Classification: Uncertain significance. Last evaluated: 2026-01-06. Review status: criteria provided, single submitter. Criteria: Invitae Variant Classification Sherloc (09022015). Collection method: clinical testing. Allele origin: germline.
Comment: This sequence change replaces aspartic acid, which is acidic and polar, with asparagine, which is neutral and polar, at codon 693 of the CFH protein (p.Asp693Asn). This variant is present in population databases (rs148403790, gnomAD 0.2%). This missense change has been observed in individual(s) with atypical hemolytic uremic syndrome (PMID: 37744338). ClinVar contains an entry for this variant (Variation ID: 1284671). An algorithm developed to predict the effect of missense changes on protein structure and function outputs the following: PolyPhen-2: "Benign". The asparagine amino acid residue is found in multiple mammalian species, which suggests that this missense change does not adversely affect protein function. In summary, the available evidence is currently insufficient to determine the role of this variant in disease. Therefore, it has been classified as a Variant of Uncertain Significance.

Genomenon, Inc
Classification: Likely benign for Atypical hemolytic-uremic syndrome. Last evaluated: 2025-10-02. Review status: criteria provided, single submitter. Criteria: Genomenon Sequence Variant Interpretation Standards - Updated. Collection method: curation. Allele origin: germline. Affected: yes.
Comment: CFH p.Asp693Asn (c.2077G>A) is a missense variant that changes the amino acid at residue 693 from Aspartic acid to Asparagine. This variant has been observed in at least one proband affected with atypical hemolytic uremic syndrome (PMID:37744338). In silico models agree that this variant is not damaging. This variant’s allele frequency in gnomAD is greater than expected for this disorder. In conclusion, we classify CFH p.Asp693Asn (c.2077G>A) as a likely benign variant.

Mayo Clinic Laboratories, Mayo Clinic
Classification: Uncertain significance. Last evaluated: 2025-09-06. Review status: criteria provided, single submitter. Criteria: ACMG Guidelines, 2015. Collection method: clinical testing. Allele origin: germline. Observed: 2 variant alleles.
Comment: BP4_moderate

Blueprint Genetics
Classification: Likely benign. Last evaluated: 2024-07-05. Review status: criteria provided, single submitter. Criteria: ACMG Guidelines, 2015. Collection method: clinical testing. Allele origin: germline.

Genetic Services Laboratory, University of Chicago
Classification: Likely benign. Last evaluated: 2020-04-21. Review status: criteria provided, single submitter. Criteria: ACMG Guidelines, 2015. Collection method: clinical testing. Allele origin: germline. Affected: no.

Clinical Genetics DNA and cytogenetics Diagnostics Lab, Erasmus MC, Erasmus Medical Center
Classification: Likely benign. Review status: no assertion criteria provided. Collection method: clinical testing. Allele origin: germline. Affected: yes. Study: VKGL Data-share Consensus. Not counted in ClinVar's aggregate classification.

Clinical Genetics, Academic Medical Center
Classification: Likely benign. Review status: no assertion criteria provided. Collection method: clinical testing. Allele origin: germline. Affected: yes. Study: VKGL Data-share Consensus. Not counted in ClinVar's aggregate classification.

Literature cited by the submitters: PubMed 37744338 (cited by 3 submitters); PubMed 36626252 (cited by Mayo Clinic Laboratories, Mayo Clinic).

NM_000186.4(CFH):c.2077G>A (p.Asp693Asn)

Gene: CFH (complement factor H; plus strand). Cytogenetic location: 1q31.3.
Variant type: single nucleotide variant.
Coding change: c.2077G>A on transcript NM_000186.4 (MANE Select); coding-DNA position 2077, G replaced by A.
Protein change: p.Asp693Asn; replaces aspartic acid 693 with asparagine.
Molecular consequence: missense variant.
Genome position (GRCh38, 1-based): chr1:196,726,781, G>A. VCF-style: chr1-196726781-G-A. GRCh37 (hg19) VCF-style: chr1-196695911-G-A.
Other names: p.Asp693Asn; short protein forms D693N.
Identifiers: ClinVar variation 1284671 (VCV001284671.16), dbSNP rs148403790, ClinGen allele CA1305580.
Genomic context (GRCh38, chr1:196,726,781, plus strand): 5'-CATGTTTTCACAATAAACTTTTTTTGTAAAATTTACATAGTGGAGGAGAGTACCTGTGGA[G>A]ATATACCTGAACTTGAACATGGCTGGGCCCAGCTTTCTTCCCCTCCTTATTACTATGGAG-3'
Protein context (NP_000177.2, residues 683-703): VCIVEESTCG[Asp693Asn]IPELEHGWAQ